The following is an entry in ClinVar:

ClinVar aggregate classification (germline): Likely benign (0 of 4 stars; one submission).

Conditions:
COX4I2-related disorder. Also called: COX4I2-related condition.

Allele frequency attached by ClinVar (database versions not stated): TOPMed below 0.00001; gnomAD exomes 0.00001; ExAC 0.00002; gnomAD 0.00002; 1000 Genomes Project 30x 0.00016; 1000 Genomes Project 0.00020.
gnomAD v4.1: 29 of 1,614,002 alleles (0.0018%); highest among the groups gnomAD compares: East Asian, 0.013%; no homozygotes.

Submission:

PreventionGenetics, part of Exact Sciences
Classification: Likely benign for COX4I2-related condition. Last evaluated: 2019-06-26. Review status: no assertion criteria provided. Collection method: clinical testing. Allele origin: germline.
Comment: This variant is classified as likely benign based on ACMG/AMP sequence variant interpretation guidelines (Richards et al. 2015 PMID: 25741868, with internal and published modifications).

NM_032609.3(COX4I2):c.174C>T (p.Asn58=)

Gene: COX4I2 (cytochrome c oxidase subunit 4I2; plus strand). Cytogenetic location: 20q11.21.
Variant type: single nucleotide variant.
Coding change: c.174C>T on transcript NM_032609.3 (MANE Select); coding-DNA position 174, C replaced by T.
Protein change: p.Asn58=; no amino-acid change (asparagine 58 retained).
Molecular consequence: synonymous variant.
Genome position (GRCh38, 1-based): chr20:31,640,024, C>T. VCF-style: chr20-31640024-C-T. GRCh37 (hg19) VCF-style: chr20-30227827-C-T.
Identifiers: ClinVar variation 3042463 (VCV003042463.2), dbSNP rs539460095, ClinGen allele CA9801884.